The following is an entry in ClinVar:

ClinVar aggregate classification (germline): Uncertain significance (1 of 4 stars; one submission).

Conditions:
Hereditary cancer-predisposing syndrome. Also called: Tumor predisposition; Neoplastic Syndromes, Hereditary; Hereditary neoplastic syndrome; Hereditary Cancer Syndrome. Identifiers: Orphanet 140162, MedGen C0027672, MeSH D009386, MONDO:0015356.

Submission:

Ambry Genetics
Classification: Uncertain significance for Hereditary cancer-predisposing syndrome. Last evaluated: 2024-09-21. Review status: criteria provided, single submitter. Criteria: Ambry Variant Classification Scheme 2023. Collection method: clinical testing. Allele origin: germline.
Comment: The p.A822E variant (also known as c.2465C>A), located in coding exon 21 of the TSC2 gene, results from a C to A substitution at nucleotide position 2465. The alanine at codon 822 is replaced by glutamic acid, an amino acid with dissimilar properties. This amino acid position is conserved. In addition, the in silico prediction for this alteration is inconclusive. Based on the available evidence, the clinical significance of this variant remains unclear.

NM_000548.5(TSC2):c.2465C>A (p.Ala822Glu)

Gene: TSC2 (TSC complex subunit 2; plus strand). Cytogenetic location: 16p13.3.
Variant type: single nucleotide variant.
Coding change: c.2465C>A on transcript NM_000548.5 (MANE Select); coding-DNA position 2465, C replaced by A.
Protein change: p.Ala822Glu; replaces alanine 822 with glutamic acid.
Molecular consequence: missense variant. On other transcripts: non-coding transcript variant (5).
Genome position (GRCh38, 1-based): chr16:2,074,309, C>A. VCF-style: chr16-2074309-C-A. GRCh37 (hg19) VCF-style: chr16-2124310-C-A.
Other names: c.2465C>A, p.Ala822Glu (NM_001077183.3, NM_001114382.3, NM_001363528.2 and 6 more transcripts); c.2354C>A, p.Ala785Glu (NM_001318827.2, NM_001406670.1, NM_001406678.1); c.2318C>A, p.Ala773Glu (NM_001318829.2, NM_001406675.1, NM_001406676.1 and 1 more transcripts); c.1865C>A, p.Ala622Glu (NM_001318831.2, NM_001406680.1, NM_001406682.1 and 6 more transcripts); c.2498C>A, p.Ala833Glu (NM_001318832.2); c.2555C>A, p.Ala852Glu (NM_001406667.1, NM_001406668.1); c.2453C>A, p.Ala818Glu (NM_001406671.1, NM_001406673.1); c.2408C>A, p.Ala803Glu (NM_001406677.1); and 3 more; short protein forms A288E, A773E, A803E, A852E, A818E, A833E, A622E, A668E.
Identifiers: ClinVar variation 3462631 (VCV003462631.1).